The following is an entry in ClinVar:

ClinVar aggregate classification (germline): Conflicting classifications of pathogenicity. Review status: criteria provided, conflicting classifications (1 of 4 stars). 6 submissions from 6 submitters: Uncertain significance (1); Likely benign (4). 1 of the submissions does not count toward it. Last evaluated 2026-01-20.

Conditions:
USH1G-related disorder. Also called: USH1G-related condition; USH1G-related disorders.

Allele frequency attached by ClinVar (database versions not stated): gnomAD exomes 0.00008 and 0.00025; 1000 Genomes Project 0.00020; ExAC 0.00031; 1000 Genomes Project 30x 0.00062; gnomAD 0.00092 and 0.00102; TOPMed 0.00093; ESP Exome Variant Server 0.00108.

Submissions (6):

Labcorp Genetics (formerly Invitae), Labcorp
Classification: Likely benign. Last evaluated: 2026-01-20. Review status: criteria provided, single submitter. Criteria: Invitae Variant Classification Sherloc (09022015). Collection method: clinical testing. Allele origin: germline.

Blueprint Genetics
Classification: Likely benign. Last evaluated: 2024-11-13. Review status: criteria provided, single submitter. Criteria: ACMG Guidelines, 2015. Collection method: clinical testing. Allele origin: germline.

GeneDx
Classification: Likely benign. Last evaluated: 2020-12-10. Review status: criteria provided, single submitter. Criteria: GeneDx Variant Classification Process June 2021. Collection method: clinical testing. Allele origin: germline. Affected: yes.

Laboratory for Molecular Medicine, Mass General Brigham Personalized Medicine
Classification: Likely benign. Last evaluated: 2017-07-20. Review status: criteria provided, single submitter. Criteria: LMM Criteria. Collection method: clinical testing. Allele origin: germline. Observed: 1 variant allele.
Comment: p.Lys239Gln in exon 2 of USH1G: This variant is not expected to have clinical si gnificance because it has been identified in 0.3% (81/23730) of African chromoso mes by the Genome Aggregation Database (gnomAD ; dbSNP rs147967199).

Eurofins Ntd Llc (ga)
Classification: Uncertain significance. Last evaluated: 2014-09-15. Review status: criteria provided, single submitter. Criteria: EGL Classification Definitions 2015. Collection method: clinical testing. Allele origin: germline. Observed: 1 variant allele, 1 heterozygote.

PreventionGenetics, part of Exact Sciences
Classification: Likely benign for USH1G-related condition. Last evaluated: 2024-06-10. Review status: no assertion criteria provided. Collection method: clinical testing. Allele origin: germline. Not counted in ClinVar's aggregate classification.
Comment: This variant is classified as likely benign based on ACMG/AMP sequence variant interpretation guidelines (Richards et al. 2015 PMID: 25741868, with internal and published modifications).

NM_173477.5(USH1G):c.715A>C (p.Lys239Gln)

Gene: USH1G (USH1 protein network component sans; minus strand). Cytogenetic location: 17q25.1.
Variant type: single nucleotide variant.
Coding change: c.715A>C on transcript NM_173477.5 (MANE Select); coding-DNA position 715, A replaced by C.
Protein change: p.Lys239Gln; replaces lysine 239 with glutamine.
Molecular consequence: missense variant.
Genome position (GRCh38, 1-based): chr17:74,920,121, T>G on the plus strand (A>C on the coding strand, the complement: USH1G is on the minus strand). VCF-style: chr17-74920121-T-G. GRCh37 (hg19) VCF-style: chr17-72916216-T-G.
Other names: c.406A>C, p.Lys136Gln (NM_001282489.3); short protein forms K239Q, K136Q.
Identifiers: ClinVar variation 195427 (VCV000195427.24), dbSNP rs147967199, ClinGen allele CA241855.